The following is an entry in ClinVar:

NM_018668.5(VPS33B):c.404-10G>A

Gene: VPS33B (VPS33B late endosome and lysosome associated; minus strand). Cytogenetic location: 15q26.1.
Variant type: single nucleotide variant.
Coding change: c.404-10G>A on transcript NM_018668.5 (MANE Select); 10 bases into the intron before coding-DNA position 404, G replaced by A.
Molecular consequence: intron variant.
Genome position (GRCh38, 1-based): chr15:91,007,974, C>T on the plus strand (G>A on the coding strand, the complement: VPS33B is on the minus strand). VCF-style: chr15-91007974-C-T. GRCh37 (hg19) VCF-style: chr15-91551204-C-T.
Other names: c.323-10G>A (NM_001289148.1); c.131-10G>A (NM_001289149.1); c.404-10G>A (NM_018668.4).
Identifiers: ClinVar variation 3685178 (VCV003685178.3).
Genomic context (GRCh38, chr15:91,007,974, plus strand): 5'-GATCCACATCAAGAGGCAGCAAAGAGAAGGCCCATTCATCACAGCTCACATCTGTGGGGA[C>T]AGAGAGCATCAGCCTCCCTGCAGAAGGTACTTAGCTCCACGTTAAGAGGGAAGGTCCGCC-3'

ClinVar aggregate classification (germline): Likely benign. Review status: criteria provided, multiple submitters, no conflicts (2 of 4 stars). 2 submissions from 2 submitters: Likely benign (2). Last evaluated 2025-02-11.

Conditions:
VPS33B-related disorder. Also called: VPS33B-related condition.

gnomAD v4.1: 1 of 1,613,700 alleles (0.000062%); highest among the groups gnomAD compares: East Asian, 0.0022%; no homozygotes.

Submissions (2):

PreventionGenetics, part of Exact Sciences
Classification: Likely benign for VPS33B-related condition. Last evaluated: 2025-02-11. Review status: criteria provided, single submitter. Criteria: ACMG Guidelines, 2015. Collection method: clinical testing. Allele origin: germline.
Comment: This variant is classified as likely benign based on ACMG/AMP sequence variant interpretation guidelines (Richards et al. 2015 PMID: 25741868, with internal and published modifications).

Labcorp Genetics (formerly Invitae), Labcorp
Classification: Likely benign. Last evaluated: 2024-08-07. Review status: criteria provided, single submitter. Criteria: Invitae Variant Classification Sherloc (09022015). Collection method: clinical testing. Allele origin: germline.